The following is an entry in ClinVar:

ClinVar aggregate classification (germline): Likely benign (1 of 4 stars; one submission).

gnomAD v4.1: 65 of 1,613,244 alleles (0.004%); highest among the groups gnomAD compares: East Asian, 0.042%; no homozygotes.

Submission:

CeGaT Center for Human Genetics Tuebingen
Classification: Likely benign. Last evaluated: 2025-12-01. Review status: criteria provided, single submitter. Criteria: CeGaT Center For Human Genetics Tuebingen Variant Classification Criteria Version 2. Collection method: clinical testing. Allele origin: germline. Affected: yes. Observed: 1 variant allele.
Comment: MAPK8IP3: BP4, BP7

NM_001318852.2(MAPK8IP3):c.1761C>G (p.Pro587=)

Gene: MAPK8IP3 (mitogen-activated protein kinase 8 interacting protein 3; plus strand). Cytogenetic location: 16p13.3.
Variant type: single nucleotide variant.
Coding change: c.1761C>G on transcript NM_001318852.2 (MANE Select); coding-DNA position 1761, C replaced by G.
Protein change: p.Pro587=; no amino-acid change (proline 587 retained).
Molecular consequence: synonymous variant.
Genome position (GRCh38, 1-based): chr16:1,762,869, C>G. VCF-style: chr16-1762869-C-G. GRCh37 (hg19) VCF-style: chr16-1812870-C-G.
Other names: c.1740C>G, p.Pro580= (NM_001040439.2); c.1758C>G, p.Pro586= (NM_015133.5).
Identifiers: ClinVar variation 4681497 (VCV004681497.5).